The following is an entry in ClinVar:

NM_001122955.4(BSCL2):c.306C>T (p.Ile102=)

Genes: HNRNPUL2-BSCL2 (HNRNPUL2-BSCL2 readthrough (NMD candidate); minus strand), BSCL2 (BSCL2 lipid droplet biogenesis associated, seipin; minus strand). Cytogenetic location: 11q12.3.
Variant type: single nucleotide variant.
Coding change: c.306C>T on transcript NM_001122955.4 (MANE Select); coding-DNA position 306, C replaced by T.
Protein change: p.Ile102=; no amino-acid change (isoleucine 102 retained).
Molecular consequence: synonymous variant. On other transcripts: non-coding transcript variant (1).
Genome position (GRCh38, 1-based): chr11:62,705,399, G>A on the plus strand (C>T on the coding strand, the complement: BSCL2 is on the minus strand). VCF-style: chr11-62705399-G-A. GRCh37 (hg19) VCF-style: chr11-62472871-G-A.
Other names: c.114C>T, p.Ile38= (NM_001130702.2, NM_032667.6); c.306C>T, p.Ile102= (NM_001386027.1, NM_001386028.1).
Identifiers: ClinVar variation 512376 (VCV000512376.3), dbSNP rs1554985612, ClinGen allele CA474873878.
Genomic context (GRCh38, chr11:62,705,399, plus strand): 5'-CGGCATATAGGAATAGTAGAAGGAGCCATAGAGGAAGACAGACACCCAGAGCAAAAGGAG[G>A]ATGGTGCAGAAGAGCACCCCAAACTGCAGCAGCAGCCTGCGGGCACGGCCTGCCAAGACT-3'
Protein context (NP_001116427.1, residues 92-112): LLQFGVLFCT[Ile102=]LLLLWVSVFL

ClinVar aggregate classification (germline): Likely benign. Review status: criteria provided, multiple submitters, no conflicts (2 of 4 stars). 2 submissions from 2 submitters: Likely benign (2). Last evaluated 2019-07-11.

Conditions:
Inborn genetic diseases. Identifiers: MedGen C0950123, MeSH D030342.

Submissions (2):

Ambry Genetics
Classification: Likely benign for Inborn genetic diseases. Last evaluated: 2019-07-11. Review status: criteria provided, single submitter. Criteria: Ambry Variant Classification Scheme 2023. Collection method: clinical testing. Allele origin: germline.

GeneDx
Classification: Likely benign. Last evaluated: 2017-09-28. Review status: criteria provided, single submitter. Criteria: GeneDx Variant Classification (06012015). Collection method: clinical testing. Allele origin: germline. Affected: yes.
Comment: This variant is considered likely benign or benign based on one or more of the following criteria: it is a conservative change, it occurs at a poorly conserved position in the protein, it is predicted to be benign by multiple in silico algorithms, and/or has population frequency not consistent with disease.